The following is an entry in ClinVar:

ClinVar aggregate classification (germline): Uncertain significance (1 of 4 stars; one submission).

gnomAD v4.1: 16 of 1,614,058 alleles (0.00099%); highest among the groups gnomAD compares: East Asian, 0.018%; no homozygotes.

Submission:

GeneDx
Classification: Uncertain significance. Last evaluated: 2025-06-18. Review status: criteria provided, single submitter. Criteria: GeneDx Variant Classification Process June 2021. Collection method: clinical testing. Allele origin: germline. Affected: yes.
Comment: Not observed at significant frequency in large population cohorts (gnomAD); In silico analysis suggests that this missense variant does not alter protein structure/function; Has not been previously published as pathogenic or benign to our knowledge

NM_000341.4(SLC3A1):c.1972C>T (p.Arg658Cys)

Genes: PREPL (prolyl endopeptidase like; minus strand), SLC3A1 (solute carrier family 3 member 1; plus strand). Cytogenetic location: 2p21.
Variant type: single nucleotide variant.
Coding change: c.1972C>T on transcript NM_000341.4 (MANE Select); coding-DNA position 1972, C replaced by T.
Protein change: p.Arg658Cys; replaces arginine 658 with cysteine.
Molecular consequence: missense variant. On other transcripts: 3 prime UTR variant (10).
Genome position (GRCh38, 1-based): chr2:44,320,553, C>T. VCF-style: chr2-44320553-C-T. GRCh37 (hg19) VCF-style: chr2-44547692-C-T.
Other names: c.*803G>A (NM_001171603.1, NM_001171606.2, NM_001171613.2 and 7 more transcripts); short protein forms R658C.
Identifiers: ClinVar variation 4538789 (VCV004538789.1).